The following is an entry in ClinVar:

NM_006949.4(STXBP2):c.613G>A (p.Val205Ile)

Gene: STXBP2 (syntaxin binding protein 2; plus strand). Cytogenetic location: 19p13.2.
Variant type: single nucleotide variant.
Coding change: c.613G>A on transcript NM_006949.4 (MANE Select); coding-DNA position 613, G replaced by A.
Protein change: p.Val205Ile; replaces valine 205 with isoleucine.
Molecular consequence: missense variant. On other transcripts: non-coding transcript variant (1).
Genome position (GRCh38, 1-based): chr19:7,642,068, G>A. VCF-style: chr19-7642068-G-A. GRCh37 (hg19) VCF-style: chr19-7706954-G-A.
Other names: p.Val205Ile; c.604G>A, p.Val202Ile (NM_001127396.3); c.646G>A, p.Val216Ile (NM_001272034.2); short protein forms V205I, V202I, V216I.
Identifiers: ClinVar variation 330550 (VCV000330550.21), dbSNP rs144586070, ClinGen allele CA9143732.

ClinVar aggregate classification (germline): Benign/Likely benign. Review status: criteria provided, multiple submitters, no conflicts (2 of 4 stars). 6 submissions from 6 submitters: Benign (3); Likely benign (3). Last evaluated 2026-02-04.

Conditions:
Autoinflammatory syndrome. Identifiers: Orphanet 93665, MedGen C3890737, MONDO:0019751.
Familial hemophagocytic lymphohistiocytosis 5. Also called: STXBP2-Related Familial Hemophagocytic Lymphohistiocytosis (STXBP2-fHLH). Identifiers: Orphanet 540, MedGen C2751293, MONDO:0013135, OMIM 613101.

Allele frequency attached by ClinVar (database versions not stated): gnomAD exomes 0.00103 and 0.00279; ExAC 0.00356; gnomAD 0.01104 and 0.01200; ESP Exome Variant Server 0.01169; 1000 Genomes Project 0.01198; TOPMed 0.01218; 1000 Genomes Project 30x 0.01234.

Submissions (6):

Labcorp Genetics (formerly Invitae), Labcorp
Classification: Benign for Familial hemophagocytic lymphohistiocytosis 5. Last evaluated: 2026-02-04. Review status: criteria provided, single submitter. Criteria: Invitae Variant Classification Sherloc (09022015). Collection method: clinical testing. Allele origin: germline.

Mayo Clinic Laboratories, Mayo Clinic
Classification: Benign. Last evaluated: 2025-01-02. Review status: criteria provided, single submitter. Criteria: ACMG Guidelines, 2015. Collection method: clinical testing. Allele origin: germline. Observed: 20 variant alleles.
Comment: BS1, BS2

Genome Diagnostics Laboratory, The Hospital for Sick Children
Classification: Benign for Autoinflammatory syndrome. Last evaluated: 2022-02-25. Review status: criteria provided, single submitter. Criteria: ACMG Guidelines, 2015. Collection method: clinical testing. Allele origin: germline. Affected: yes.

Center for Pediatric Genomic Medicine, Children's Mercy Hospital and Clinics
Classification: Likely benign. Last evaluated: 2017-06-06. Review status: criteria provided, single submitter. Criteria: ACMG Guidelines, 2015. Collection method: clinical testing. Allele origin: germline.

Illumina Laboratory Services, Illumina
Classification: Likely benign for Familial hemophagocytic lymphohistiocytosis 5. Last evaluated: 2017-04-27. Review status: criteria provided, single submitter. Criteria: ICSL Variant Classification Criteria 13 December 2019. Collection method: clinical testing. Allele origin: germline.
Comment: This variant was observed as part of a predisposition screen in an ostensibly healthy population. A literature search was performed for the gene, cDNA change, and amino acid change (where applicable). No publications were found based on this search. Allele frequency data from public databases allowed determination this variant is unlikely to cause disease. Therefore, this variant is classified as likely benign.

Breakthrough Genomics
Classification: Likely benign. Review status: criteria provided, single submitter. Criteria: ACMG Guidelines, 2015. Collection method: not provided. Allele origin: germline. Inheritance: Autosomal recessive inheritance. Affected: yes.